The following is an entry in ClinVar:

NM_177438.3(DICER1):c.433C>T (p.His145Tyr)

Gene: DICER1 (dicer 1, ribonuclease III; minus strand). Cytogenetic location: 14q32.13.
Variant type: single nucleotide variant.
Coding change: c.433C>T on transcript NM_177438.3 (MANE Select); coding-DNA position 433, C replaced by T.
Protein change: p.His145Tyr; replaces histidine 145 with tyrosine.
Molecular consequence: missense variant. On other transcripts: 5 prime UTR variant (2), non-coding transcript variant (5), intron variant (6).
Genome position (GRCh38, 1-based): chr14:95,131,514, G>A on the plus strand (C>T on the coding strand, the complement: DICER1 is on the minus strand). VCF-style: chr14-95131514-G-A. GRCh37 (hg19) VCF-style: chr14-95597851-G-A.
Other names: c.433C>T, p.His145Tyr (NM_001195573.1, NM_001271282.3, NM_001291628.2 and 15 more transcripts); c.151C>T, p.His51Tyr (NM_001395686.1); c.-26C>T (NM_001395691.1); c.-1136C>T (NM_001395697.1); c.33+1001C>T (NM_001395690.1, NM_001395687.1, NM_001395689.1 and 3 more transcripts); short protein forms H145Y, H51Y.
Identifiers: ClinVar variation 3021556 (VCV003021556.4), dbSNP rs2543339228, ClinGen allele CA390888783.

ClinVar aggregate classification (germline): Uncertain significance. Review status: criteria provided, multiple submitters, no conflicts (2 of 4 stars). 2 submissions from 2 submitters: Uncertain significance (2). Last evaluated 2025-07-03.

Conditions:
DICER1-related tumor predisposition. Also called: DICER1 syndrome; DICER1-related pleuropulmonary blastoma cancer predisposition syndrome. Identifiers: Orphanet 284343, MedGen C3839822, MONDO:0100216.

Submissions (2):

GeneDx
Classification: Uncertain significance. Last evaluated: 2025-07-03. Review status: criteria provided, single submitter. Criteria: GeneDx Variant Classification Process June 2021. Collection method: clinical testing. Allele origin: germline. Affected: yes.
Comment: Not observed at significant frequency in large population cohorts (gnomAD); In silico analysis supports that this missense variant has a deleterious effect on protein structure/function; Has not been previously published as pathogenic or benign to our knowledge

Labcorp Genetics (formerly Invitae), Labcorp
Classification: Uncertain significance for DICER1-related tumor predisposition. Last evaluated: 2022-12-24. Review status: criteria provided, single submitter. Criteria: Invitae Variant Classification Sherloc (09022015). Collection method: clinical testing. Allele origin: germline.
Comment: In summary, the available evidence is currently insufficient to determine the role of this variant in disease. Therefore, it has been classified as a Variant of Uncertain Significance. Advanced modeling of protein sequence and biophysical properties (such as structural, functional, and spatial information, amino acid conservation, physicochemical variation, residue mobility, and thermodynamic stability) performed at Invitae indicates that this missense variant is not expected to disrupt DICER1 protein function. This variant has not been reported in the literature in individuals affected with DICER1-related conditions. This variant is not present in population databases (gnomAD no frequency). This sequence change replaces histidine, which is basic and polar, with tyrosine, which is neutral and polar, at codon 145 of the DICER1 protein (p.His145Tyr).